The following is an entry in ClinVar:

NM_024675.4(PALB2):c.3515T>G (p.Leu1172Arg)

Gene: PALB2 (partner and localizer of BRCA2; minus strand). Cytogenetic location: 16p12.2.
Variant type: single nucleotide variant.
Coding change: c.3515T>G on transcript NM_024675.4 (MANE Select); coding-DNA position 3515, T replaced by G.
Protein change: p.Leu1172Arg; replaces leucine 1172 with arginine.
Molecular consequence: missense variant.
Genome position (GRCh38, 1-based): chr16:23,603,505, A>C on the plus strand (T>G on the coding strand, the complement: PALB2 is on the minus strand). VCF-style: chr16-23603505-A-C. GRCh37 (hg19) VCF-style: chr16-23614826-A-C.
Other names: short protein forms L1172R.
Identifiers: ClinVar variation 1372173 (VCV001372173.7), dbSNP rs1555457845, ClinGen allele CA395137854.

ClinVar aggregate classification (germline): Uncertain significance (1 of 4 stars; one submission).

Conditions:
Familial cancer of breast. Also called: hereditary breast carcinoma; Hereditary breast cancer; BREAST CANCER, FAMILIAL. Identifiers: Orphanet 227535, MedGen C0346153, MONDO:0016419, OMIM 114480. Disease mechanism: loss of function.

Submission:

Labcorp Genetics (formerly Invitae), Labcorp
Classification: Uncertain significance for Familial cancer of breast. Last evaluated: 2021-08-03. Review status: criteria provided, single submitter. Criteria: Invitae Variant Classification Sherloc (09022015). Collection method: clinical testing. Allele origin: germline.
Comment: This variant is not present in population databases (ExAC no frequency). In summary, the available evidence is currently insufficient to determine the role of this variant in disease. Therefore, it has been classified as a Variant of Uncertain Significance. Algorithms developed to predict the effect of missense changes on protein structure and function (SIFT, PolyPhen-2, Align-GVGD) all suggest that this variant is likely to be disruptive. This variant has not been reported in the literature in individuals affected with PALB2-related conditions. This sequence change replaces leucine with arginine at codon 1172 of the PALB2 protein (p.Leu1172Arg). The leucine residue is highly conserved and there is a moderate physicochemical difference between leucine and arginine.